The following is an entry in ClinVar:

ClinVar aggregate classification (germline): Likely benign. Review status: criteria provided, single submitter (1 of 4 stars). 3 submissions from 3 submitters: Likely benign (1). 2 of the submissions do not count toward it. Last evaluated 2025-06-26.

Conditions:
CACNB2-related disorder. Also called: CACNB2-related condition.

Allele frequency attached by ClinVar (database versions not stated): ExAC 0.00006; TOPMed 0.00010.
gnomAD v4.1: 26 of 1,235,510 alleles (0.0021%); highest among the groups gnomAD compares: African/African-American, 0.04%; no homozygotes.

Submissions (3):

PreventionGenetics, part of Exact Sciences
Classification: Likely benign for CACNB2-related condition. Last evaluated: 2025-06-26. Review status: criteria provided, single submitter. Criteria: ACMG Guidelines, 2015. Collection method: clinical testing. Allele origin: germline.
Comment: This variant is classified as likely benign based on ACMG/AMP sequence variant interpretation guidelines (Richards et al. 2015 PMID: 25741868, with internal and published modifications).

Clinical Genetics DNA and cytogenetics Diagnostics Lab, Erasmus MC, Erasmus Medical Center
Classification: Likely benign. Review status: no assertion criteria provided. Collection method: clinical testing. Allele origin: germline. Affected: yes. Study: VKGL Data-share Consensus. Not counted in ClinVar's aggregate classification.

Clinical Genetics, Academic Medical Center
Classification: Benign. Review status: no assertion criteria provided. Collection method: clinical testing. Allele origin: germline. Affected: yes. Study: VKGL Data-share Consensus. Not counted in ClinVar's aggregate classification.

NM_201596.3(CACNB2):c.120+338T>C

Gene: CACNB2 (calcium voltage-gated channel auxiliary subunit beta 2; plus strand). Cytogenetic location: 10p12.33.
Variant type: single nucleotide variant.
Coding change: c.120+338T>C on transcript NM_201596.3 (MANE Select); 338 bases into the intron after coding-DNA position 120, T replaced by C.
Molecular consequence: intron variant. On other transcripts: synonymous variant (3).
Genome position (GRCh38, 1-based): chr10:18,141,194, T>C. VCF-style: chr10-18141194-T-C. GRCh37 (hg19) VCF-style: chr10-18430123-T-C.
Other names: c.15T>C, p.Ser5= (NM_001167945.2, NM_201571.4, NM_201572.4); c.120+338T>C (NM_201593.3, NM_201597.3); c.15T>C (NM_001167945.1).
Identifiers: ClinVar variation 1284693 (VCV001284693.4), dbSNP rs751631146, ClinGen allele CA5429367.